The following is an entry in ClinVar:

ClinVar aggregate classification (germline): Uncertain significance. Review status: criteria provided, multiple submitters, no conflicts (2 of 4 stars). 2 submissions from 2 submitters: Uncertain significance (2). Last evaluated 2023-09-25.

Conditions:
Breast-ovarian cancer, familial, susceptibility to, 4. Identifiers: Orphanet 145, MedGen C3280345, MONDO:0013669, OMIM 614291.
Hereditary cancer-predisposing syndrome. Also called: Tumor predisposition; Hereditary neoplastic syndrome; Neoplastic Syndromes, Hereditary; Hereditary Cancer Syndrome. Identifiers: Orphanet 140162, MedGen C0027672, MeSH D009386, MONDO:0015356.

Allele frequency attached by ClinVar (database versions not stated): gnomAD exomes below 0.00001; gnomAD 0.00001.
gnomAD v4.1: 2 of 1,612,420 alleles (0.00012%); highest among the groups gnomAD compares: East Asian, 0.0045%; no homozygotes.

Submissions (2):

Labcorp Genetics (formerly Invitae), Labcorp
Classification: Uncertain significance for Breast-ovarian cancer, familial, susceptibility to, 4. Last evaluated: 2023-09-25. Review status: criteria provided, single submitter. Criteria: Invitae Variant Classification Sherloc (09022015). Collection method: clinical testing. Allele origin: germline.
Comment: This variant is present in population databases (no rsID available, gnomAD 0.01%). This sequence change replaces leucine, which is neutral and non-polar, with phenylalanine, which is neutral and non-polar, at codon 45 of the RAD51D protein (p.Leu45Phe). This variant has not been reported in the literature in individuals affected with RAD51D-related conditions. In summary, the available evidence is currently insufficient to determine the role of this variant in disease. Therefore, it has been classified as a Variant of Uncertain Significance. An algorithm developed to predict the effect of missense changes on protein structure and function (PolyPhen-2) suggests that this variant is likely to be disruptive. ClinVar contains an entry for this variant (Variation ID: 819004).

Ambry Genetics
Classification: Uncertain significance for Hereditary cancer-predisposing syndrome. Last evaluated: 2019-09-17. Review status: criteria provided, single submitter. Criteria: Ambry Variant Classification Scheme 2023. Collection method: clinical testing. Allele origin: germline.
Comment: The p.L45F variant (also known as c.135G>C), located in coding exon 2 of the RAD51D gene, results from a G to C substitution at nucleotide position 135. The leucine at codon 45 is replaced by phenylalanine, an amino acid with highly similar properties. This amino acid position is well conserved in available vertebrate species. In addition, this alteration is predicted to be tolerated by in silico analysis. Since supporting evidence is limited at this time, the clinical significance of this alteration remains unclear.

NM_002878.4(RAD51D):c.135G>C (p.Leu45Phe)

Genes: RAD51L3-RFFL (RAD51L3-RFFL readthrough; minus strand), RAD51D (RAD51 paralog D; minus strand). Cytogenetic location: 17q12.
Variant type: single nucleotide variant.
Coding change: c.135G>C on transcript NM_002878.4 (MANE Select); coding-DNA position 135, G replaced by C.
Protein change: p.Leu45Phe; replaces leucine 45 with phenylalanine.
Molecular consequence: missense variant. On other transcripts: non-coding transcript variant (2).
Genome position (GRCh38, 1-based): chr17:35,119,120, C>G on the plus strand (G>C on the coding strand, the complement: RAD51D is on the minus strand). VCF-style: chr17-35119120-C-G. GRCh37 (hg19) VCF-style: chr17-33446139-C-G.
Other names: c.135G>C, p.Leu45Phe (NM_001142571.2, NM_133629.3); short protein forms L45F.
Identifiers: ClinVar variation 819004 (VCV000819004.7), dbSNP rs752907589, ClinGen allele CA399091780.